The following is an entry in ClinVar:

ClinVar aggregate classification (germline): Uncertain significance. Review status: criteria provided, multiple submitters, no conflicts (2 of 4 stars). 4 submissions from 4 submitters: Uncertain significance (4). Last evaluated 2024-04-29.

Conditions:
Cardiovascular phenotype. Identifiers: MedGen CN230736.
Cardiomyopathy (CMYO). Also called: Cardiomyopathies. Identifiers: Orphanet 167848, MedGen C0878544, MONDO:0004994, HP:0001638. Inheritance: Various modes of inheritance.
Dilated cardiomyopathy 1DD (CMD1DD). Identifiers: Orphanet 154, MedGen C2750995, MONDO:0013168, OMIM 613172.

Allele frequency attached by ClinVar (database versions not stated): gnomAD exomes below 0.00001 and 0.00001.
gnomAD v4.1: 4 of 1,552,126 alleles (0.00026%); highest among the groups gnomAD compares: Admixed American, 0.0039%; no homozygotes.

Submissions (4):

Labcorp Genetics (formerly Invitae), Labcorp
Classification: Uncertain significance for Dilated cardiomyopathy 1DD. Last evaluated: 2024-04-29. Review status: criteria provided, single submitter. Criteria: Invitae Variant Classification Sherloc (09022015). Collection method: clinical testing. Allele origin: germline.
Comment: This sequence change replaces isoleucine, which is neutral and non-polar, with asparagine, which is neutral and polar, at codon 581 of the RBM20 protein (p.Ile581Asn). This variant is present in population databases (no rsID available, gnomAD 0.004%). This variant has not been reported in the literature in individuals affected with RBM20-related conditions. ClinVar contains an entry for this variant (Variation ID: 1329090). Advanced modeling of protein sequence and biophysical properties (such as structural, functional, and spatial information, amino acid conservation, physicochemical variation, residue mobility, and thermodynamic stability) has been performed at Invitae for this missense variant, however the output from this modeling did not meet the statistical confidence thresholds required to predict the impact of this variant on RBM20 protein function. In summary, the available evidence is currently insufficient to determine the role of this variant in disease. Therefore, it has been classified as a Variant of Uncertain Significance.

Ambry Genetics
Classification: Uncertain significance for Cardiovascular phenotype. Last evaluated: 2024-03-19. Review status: criteria provided, single submitter. Criteria: Ambry Variant Classification Scheme 2023. Collection method: clinical testing. Allele origin: germline.
Comment: The p.I581N variant (also known as c.1742T>A), located in coding exon 7 of the RBM20 gene, results from a T to A substitution at nucleotide position 1742. The isoleucine at codon 581 is replaced by asparagine, an amino acid with dissimilar properties. This amino acid position is conserved. In addition, this alteration is predicted to be deleterious by in silico analysis. Based on the available evidence, the clinical significance of this alteration remains unclear.

GeneDx
Classification: Uncertain significance. Last evaluated: 2023-12-07. Review status: criteria provided, single submitter. Criteria: GeneDx Variant Classification Process June 2021. Collection method: clinical testing. Allele origin: germline. Affected: yes.
Comment: Not observed at significant frequency in large population cohorts (gnomAD); In silico analysis supports that this missense variant has a deleterious effect on protein structure/function; Has not been previously published as pathogenic or benign to our knowledge

CHEO Genetics Diagnostic Laboratory, Children's Hospital of Eastern Ontario
Classification: Uncertain significance for Cardiomyopathy. Last evaluated: 2021-03-08. Review status: criteria provided, single submitter. Criteria: ACMG Guidelines, 2015. Collection method: clinical testing. Allele origin: germline.

NM_001134363.3(RBM20):c.1742T>A (p.Ile581Asn)

Gene: RBM20 (RNA binding motif protein 20; plus strand). Cytogenetic location: 10q25.2.
Variant type: single nucleotide variant.
Coding change: c.1742T>A on transcript NM_001134363.3 (MANE Select); coding-DNA position 1742, T replaced by A.
Protein change: p.Ile581Asn; replaces isoleucine 581 with asparagine.
Molecular consequence: missense variant.
Genome position (GRCh38, 1-based): chr10:110,799,860, T>A. VCF-style: chr10-110799860-T-A. GRCh37 (hg19) VCF-style: chr10-112559618-T-A.
Other names: short protein forms I581N.
Identifiers: ClinVar variation 1329090 (VCV001329090.9), dbSNP rs1444950975, ClinGen allele CA378390789.